The following is an entry in ClinVar:

NM_006019.4(TCIRG1):c.2448G>C (p.Thr816=)

Gene: TCIRG1 (T cell immune regulator 1, ATPase H+ transporting V0 subunit a3; plus strand). Cytogenetic location: 11q13.2.
Variant type: single nucleotide variant.
Coding change: c.2448G>C on transcript NM_006019.4 (MANE Select); coding-DNA position 2448, G replaced by C.
Protein change: p.Thr816=; no amino-acid change (threonine 816 retained).
Molecular consequence: synonymous variant.
Genome position (GRCh38, 1-based): chr11:68,050,774, G>C. VCF-style: chr11-68050774-G-C. GRCh37 (hg19) VCF-style: chr11-67818241-G-C.
Other names: c.1554G>C, p.Thr518= (NM_001351059.2); c.1800G>C, p.Thr600= (NM_006053.4).
Identifiers: ClinVar variation 883293 (VCV000883293.14), dbSNP rs139049989, ClinGen allele CA224213914.

ClinVar aggregate classification (germline): Conflicting classifications of pathogenicity. Review status: criteria provided, conflicting classifications (1 of 4 stars). 3 submissions from 3 submitters: Uncertain significance (1); Likely benign (1). 1 of the submissions does not count toward it. Last evaluated 2024-02-08.

Conditions:
Autosomal recessive osteopetrosis 1. Also called: ALBERS-SCHONBERG DISEASE, AUTOSOMAL RECESSIVE; TCIRG1-Related Osteopetrosis; TCIRG1-Related Autosomal Recessive Osteopetrosis. Identifiers: Orphanet 667, MedGen C1850127, MONDO:0009815, OMIM 259700.
TCIRG1-related disorder. Also called: TCIRG1-related condition.

gnomAD v4.1: 11 of 1,613,720 alleles (0.00068%); highest among the groups gnomAD compares: Middle Eastern, 0.082%; no homozygotes.

Submissions (3):

Labcorp Genetics (formerly Invitae), Labcorp
Classification: Likely benign. Last evaluated: 2024-02-08. Review status: criteria provided, single submitter. Criteria: Invitae Variant Classification Sherloc (09022015). Collection method: clinical testing. Allele origin: germline.

Illumina Laboratory Services, Illumina
Classification: Uncertain significance for Autosomal recessive osteopetrosis 1. Last evaluated: 2018-01-12. Review status: criteria provided, single submitter. Criteria: ICSL Variant Classification Criteria 13 December 2019. Collection method: clinical testing. Allele origin: germline.

PreventionGenetics, part of Exact Sciences
Classification: Likely benign for TCIRG1-related condition. Last evaluated: 2019-07-12. Review status: no assertion criteria provided. Collection method: clinical testing. Allele origin: germline. Not counted in ClinVar's aggregate classification.
Comment: This variant is classified as likely benign based on ACMG/AMP sequence variant interpretation guidelines (Richards et al. 2015 PMID: 25741868, with internal and published modifications).